The following is an entry in ClinVar:

ClinVar aggregate classification (germline): Conflicting classifications of pathogenicity. Review status: criteria provided, conflicting classifications (1 of 4 stars). 5 submissions from 5 submitters: Uncertain significance (1); Likely benign (3). 1 of the submissions does not count toward it. Last evaluated 2025-09-08.

Conditions:
RTTN-related disorder. Also called: RTTN-related condition.

Allele frequency attached by ClinVar (database versions not stated): ESP Exome Variant Server 0.00025; ExAC 0.00028; gnomAD exomes 0.00032 and 0.00068; TOPMed 0.00047; gnomAD 0.00058 and 0.00061.
gnomAD v4.1: 1,082 of 1,596,324 alleles (0.068%); highest among the groups gnomAD compares: Non-Finnish European, 0.08%; no homozygotes.

Submissions (5):

Labcorp Genetics (formerly Invitae), Labcorp
Classification: Likely benign. Last evaluated: 2025-09-08. Review status: criteria provided, single submitter. Criteria: Invitae Variant Classification Sherloc (09022015). Collection method: clinical testing. Allele origin: germline.

Blueprint Genetics
Classification: Likely benign. Last evaluated: 2024-11-28. Review status: criteria provided, single submitter. Criteria: ACMG Guidelines, 2015. Collection method: clinical testing. Allele origin: germline.

GeneDx
Classification: Likely benign. Last evaluated: 2020-12-05. Review status: criteria provided, single submitter. Criteria: GeneDx Variant Classification Process June 2021. Collection method: clinical testing. Allele origin: germline. Affected: yes.

CeGaT Center for Human Genetics Tuebingen
Classification: Uncertain significance. Last evaluated: 2017-03-31. Review status: criteria provided, single submitter. Criteria: Praxis fuer Humangenetik Tuebingen - Variant Classification Criteria. Collection method: clinical testing. Allele origin: germline. Affected: yes. Observed: 1 variant allele.

PreventionGenetics, part of Exact Sciences
Classification: Likely benign for RTTN-related condition. Last evaluated: 2019-06-21. Review status: no assertion criteria provided. Collection method: clinical testing. Allele origin: germline. Not counted in ClinVar's aggregate classification.
Comment: This variant is classified as likely benign based on ACMG/AMP sequence variant interpretation guidelines (Richards et al. 2015 PMID: 25741868, with internal and published modifications).

NM_173630.4(RTTN):c.2568T>A (p.Ala856=)

Gene: RTTN (rotatin; minus strand). Cytogenetic location: 18q22.2.
Variant type: single nucleotide variant.
Coding change: c.2568T>A on transcript NM_173630.4 (MANE Select); coding-DNA position 2568, T replaced by A.
Protein change: p.Ala856=; no amino-acid change (alanine 856 retained).
Molecular consequence: synonymous variant. On other transcripts: 5 prime UTR variant (1).
Genome position (GRCh38, 1-based): chr18:70,142,301, A>T on the plus strand (T>A on the coding strand, the complement: RTTN is on the minus strand). VCF-style: chr18-70142301-A-T. GRCh37 (hg19) VCF-style: chr18-67809537-A-T.
Other names: c.-80T>A (NM_001318520.2).
Identifiers: ClinVar variation 386255 (VCV000386255.15), dbSNP rs370998068, ClinGen allele CA8995836.